The following is an entry in ClinVar:

ClinVar aggregate classification (germline): Uncertain significance (1 of 4 stars; one submission).

Submission:

Labcorp Genetics (formerly Invitae), Labcorp
Classification: Uncertain significance. Last evaluated: 2023-05-26. Review status: criteria provided, single submitter. Criteria: Invitae Variant Classification Sherloc (09022015). Collection method: clinical testing. Allele origin: germline.
Comment: In summary, the available evidence is currently insufficient to determine the role of this variant in disease. Therefore, it has been classified as a Variant of Uncertain Significance. Advanced modeling of protein sequence and biophysical properties (such as structural, functional, and spatial information, amino acid conservation, physicochemical variation, residue mobility, and thermodynamic stability) performed at Invitae indicates that this missense variant is expected to disrupt POLE protein function. This variant has not been reported in the literature in individuals affected with POLE-related conditions. This variant is not present in population databases (gnomAD no frequency). This sequence change replaces aspartic acid, which is acidic and polar, with histidine, which is basic and polar, at codon 406 of the POLE protein (p.Asp406His).

NM_006231.4(POLE):c.1216G>C (p.Asp406His)

Gene: POLE (DNA polymerase epsilon, catalytic subunit; minus strand). Cytogenetic location: 12q24.33.
Variant type: single nucleotide variant.
Coding change: c.1216G>C on transcript NM_006231.4 (MANE Select); coding-DNA position 1216, G replaced by C.
Protein change: p.Asp406His; replaces aspartic acid 406 with histidine.
Molecular consequence: missense variant.
Genome position (GRCh38, 1-based): chr12:132,675,408, C>G on the plus strand (G>C on the coding strand, the complement: POLE is on the minus strand). VCF-style: chr12-132675408-C-G. GRCh37 (hg19) VCF-style: chr12-133251994-C-G.
Other names: short protein forms D406H.
Identifiers: ClinVar variation 2726021 (VCV002726021.3), dbSNP rs2542157602, ClinGen allele CA387360692.